The following is an entry in ClinVar:

ClinVar aggregate classification (germline): Uncertain significance. Review status: criteria provided, multiple submitters, no conflicts (2 of 4 stars). 2 submissions from 2 submitters: Uncertain significance (2). Last evaluated 2021-12-16.

Conditions:
Cardiomyopathy (CMYO). Also called: Cardiomyopathies. Identifiers: Orphanet 167848, MedGen C0878544, MONDO:0004994, HP:0001638. Inheritance: Various modes of inheritance.

Allele frequency attached by ClinVar (database versions not stated): gnomAD exomes below 0.00001.
gnomAD v4.1: 1 of 1,614,190 alleles (0.000062%); no homozygotes.

Submissions (2):

Color Diagnostics, LLC DBA Color Health
Classification: Uncertain significance for Cardiomyopathy. Last evaluated: 2021-12-16. Review status: criteria provided, single submitter. Criteria: ACMG Guidelines, 2015. Collection method: clinical testing. Allele origin: germline.
Comment: This missense variant replaces asparagine with serine at codon 100 of the TNNT2 protein. Computational prediction suggests that this variant may not impact protein structure and function (internally defined REVEL score threshold <= 0.5, PMID: 27666373). To our knowledge, functional studies have not been reported for this variant. This variant has not been reported in individuals affected with cardiovascular disorders in the literature. This variant has not been identified in the general population by the Genome Aggregation Database (gnomAD). The available evidence is insufficient to determine the role of this variant in disease conclusively. Therefore, this variant is classified as a Variant of Uncertain Significance.

Laboratory for Molecular Medicine, Mass General Brigham Personalized Medicine
Classification: Uncertain significance. Last evaluated: 2014-05-01. Review status: criteria provided, single submitter. Criteria: LMM Criteria. Collection method: clinical testing. Allele origin: germline. Observed: 1 variant allele.
Comment: Variant classified as Uncertain Significance - Favor Pathogenic. The Asn100Ser v ariant in TNNT2 has not been previously reported in individuals with cardiomyopa thy or in large population studies. This variant was predicted to be pathogenic using a computational tool clinically validated by our laboratory. This tool's p athogenic prediction is estimated to be correct 94% of the time (Jordan 2011). I n addition, splicing prediction tools suggest this variant may lead to the creat ion of a novel splice site which could result in altered splicing, however this information is not predictive enough to determine pathogenicity. In summary, whi le these data suggest this variant may be disease-causing, additional informatio n is needed to fully assess the clinical significance of the Asn100Ser variant.

NM_001276345.2(TNNT2):c.329A>G (p.Asn110Ser)

Gene: TNNT2 (troponin T2, cardiac type; minus strand). Cytogenetic location: 1q32.1.
Variant type: single nucleotide variant.
Coding change: c.329A>G on transcript NM_001276345.2 (MANE Select); coding-DNA position 329, A replaced by G.
Protein change: p.Asn110Ser; replaces asparagine 110 with serine.
Molecular consequence: missense variant. On other transcripts: intron variant (1).
Genome position (GRCh38, 1-based): chr1:201,365,273, T>C on the plus strand (A>G on the coding strand, the complement: TNNT2 is on the minus strand). VCF-style: chr1-201365273-T-C. GRCh37 (hg19) VCF-style: chr1-201334401-T-C.
Other names: c.329A>G, p.Asn110Ser (NM_000364.4); c.299A>G, p.Asn100Ser (NM_001001430.3, NM_001001431.3, NM_001276347.2); c.284A>G, p.Asn95Ser (NM_001001432.3); c.291+337A>G (NM_001276346.2); short protein forms N100S, N110S, N95S.
Identifiers: ClinVar variation 179657 (VCV000179657.7), dbSNP rs727505027, ClinGen allele CA004329.